The following is an entry in ClinVar:

ClinVar aggregate classification (germline): Uncertain significance (1 of 4 stars; one submission).

Conditions:
Familial thoracic aortic aneurysm and aortic dissection (TAAD). Also called: Thoracic aortic aneurysms and dissections. Identifiers: Orphanet 91387, MedGen C4707243, MONDO:0019625.

Submission:

Ambry Genetics
Classification: Uncertain significance for Familial thoracic aortic aneurysm and aortic dissection. Last evaluated: 2026-06-15. Review status: criteria provided, single submitter. Criteria: Ambry Variant Classification Scheme 2023. Collection method: clinical testing. Allele origin: germline.
Comment: The p.K314R variant (also known as c.941A>G), located in coding exon 8 of the FBN1 gene, results from an A to G substitution at nucleotide position 941. The lysine at codon 314 is replaced by arginine, an amino acid with highly similar properties. This amino acid position is conserved. In addition, the in silico prediction for this alteration is inconclusive. Based on the available evidence, the clinical significance of this variant remains unclear.

NM_000138.5(FBN1):c.941A>G (p.Lys314Arg)

Gene: FBN1 (fibrillin 1; minus strand). Cytogenetic location: 15q21.1.
Variant type: single nucleotide variant.
Coding change: c.941A>G on transcript NM_000138.5 (MANE Select); coding-DNA position 941, A replaced by G.
Protein change: p.Lys314Arg; replaces lysine 314 with arginine.
Molecular consequence: missense variant.
Genome position (GRCh38, 1-based): chr15:48,526,177, T>C on the plus strand (A>G on the coding strand, the complement: FBN1 is on the minus strand). VCF-style: chr15-48526177-T-C. GRCh37 (hg19) VCF-style: chr15-48818374-T-C.
Other names: c.941A>G, p.Lys314Arg (NM_001406716.1); short protein forms K314R.
Identifiers: ClinVar variation 5021571 (VCV005021571.1).